The following is an entry in ClinVar:

ClinVar aggregate classification (germline): Likely pathogenic (1 of 4 stars; one submission).

Conditions:
Arrhythmogenic cardiomyopathy with wooly hair and keratoderma. Also called: PALMOPLANTAR KERATODERMA WITH LEFT VENTRICULAR CARDIOMYOPATHY AND WOOLLY HAIR; Carvajal syndrome; Dilated cardiomyopathy with woolly hair and keratoderma; Arrhythmogenic cardiomyopathy with woolly hair and keratoderma. Identifiers: Orphanet 65282, MedGen C1854063, MONDO:0011581, OMIM 605676.

Submission:

All of Us Research Program, National Institutes of Health
Classification: Likely pathogenic for Arrhythmogenic cardiomyopathy with wooly hair and keratoderma. Last evaluated: 2023-11-09. Review status: criteria provided, single submitter. Criteria: ACMG Guidelines, 2015. Collection method: clinical testing. Allele origin: germline. Inheritance: Autosomal dominant inheritance. Observed: 1 variant allele, 1 heterozygote.
Comment: The c.3012del (p.Ile1004Metfs*14 ) variant in the DSP gene results in a frameshift and creates a premature translation stop codon. This change is predicted to result in an absent or disrupted protein product. Loss-of-function variants in DSP are known to be pathogenic (PMID: 20716751, 24503780, 25227139). This variant is absent in the general population according to gnomAD. For these reasons, the c.3012del (p.Ile1004Metfs*14) variant in the DSP gene has been classified as likely pathogenic.

This study involves interpretation of variants in research participants for the purpose of population health screening. Participant phenotype was not available at the time of variant classification. Additional details can be found in publication PMID: 35346344, PMCID: PMC8962531

Literature cited by the submitters: PubMed 20716751; PubMed 24503780; PubMed 25227139.

NM_004415.4(DSP):c.3012del (p.Ile1004fs)

Gene: DSP (desmoplakin; plus strand). Cytogenetic location: 6p24.3.
Variant type: Deletion.
Coding change: c.3012del on transcript NM_004415.4 (MANE Select); coding-DNA position 3012, one base deleted (T; older notation c.3012delT).
Protein change: p.Ile1004fs; shifts the reading frame from isoleucine 1004.
Molecular consequence: frameshift variant.
Genome position (GRCh38, 1-based): chr6:7,578,490, T deleted; the last of 2 consecutive T bases (chr6:7,578,489-7,578,490); deleting either gives the same sequence. VCF-style (leftmost placement, unchanged base first): chr6-7578488-AT-A. GRCh37 (hg19) VCF-style: chr6-7578721-AT-A.
Other names: c.3012del, p.Ile1004fs (NM_001008844.3, NM_001319034.2); short protein forms I1004fs.
Identifiers: ClinVar variation 3074432 (VCV003074432.1), dbSNP rs2533919723, ClinGen allele CA2825001485.